The following is an entry in ClinVar:

ClinVar aggregate classification (germline): Uncertain significance. Review status: criteria provided, multiple submitters, no conflicts (2 of 4 stars). 3 submissions from 3 submitters: Uncertain significance (3). Last evaluated 2025-10-21.

Conditions:
Inborn genetic diseases. Identifiers: MedGen C0950123, MeSH D030342.
Combined immunodeficiency due to DOCK8 deficiency (HIES2). Also called: HYPER-IgE SYNDROME 2, AUTOSOMAL RECESSIVE, WITH RECURRENT INFECTIONS; Hyper-IgE recurrent infection syndrome, autosomal recessive; HIES autosomal recessive; HYPER-IgE RECURRENT INFECTION SYNDROME 2, AUTOSOMAL RECESSIVE; DOCK8 Deficiency. Identifiers: Orphanet 217390, MedGen C4722305, MONDO:0009478, OMIM 243700.

Allele frequency attached by ClinVar (database versions not stated): gnomAD exomes below 0.00001 and 0.00001; ExAC 0.00001; gnomAD 0.00001; TOPMed 0.00002.
gnomAD v4.1: 7 of 1,614,038 alleles (0.00043%); highest among the groups gnomAD compares: East Asian, 0.0089%; no homozygotes.

Submissions (3):

Labcorp Genetics (formerly Invitae), Labcorp
Classification: Uncertain significance for Combined immunodeficiency due to DOCK8 deficiency. Last evaluated: 2025-10-21. Review status: criteria provided, single submitter. Criteria: Invitae Variant Classification Sherloc (09022015). Collection method: clinical testing. Allele origin: germline.
Comment: This sequence change replaces arginine, which is basic and polar, with histidine, which is basic and polar, at codon 478 of the DOCK8 protein (p.Arg478His). This variant is present in population databases (rs757667271, gnomAD 0.006%). This variant has not been reported in the literature in individuals affected with DOCK8-related conditions. ClinVar contains an entry for this variant (Variation ID: 1437906). Invitae Evidence Modeling of protein sequence and biophysical properties (such as structural, functional, and spatial information, amino acid conservation, physicochemical variation, residue mobility, and thermodynamic stability) has been performed for this missense variant. However, the output from this modeling did not meet the statistical confidence thresholds required to predict the impact of this variant on DOCK8 protein function. In summary, the available evidence is currently insufficient to determine the role of this variant in disease. Therefore, it has been classified as a Variant of Uncertain Significance.

Ambry Genetics
Classification: Uncertain significance for Inborn genetic diseases. Last evaluated: 2025-07-03. Review status: criteria provided, single submitter. Criteria: Ambry Variant Classification Scheme 2023. Collection method: clinical testing. Allele origin: germline.

CeGaT Center for Human Genetics Tuebingen
Classification: Uncertain significance. Last evaluated: 2023-03-01. Review status: criteria provided, single submitter. Criteria: CeGaT Center For Human Genetics Tuebingen Variant Classification Criteria Version 2. Collection method: clinical testing. Allele origin: germline. Affected: yes. Observed: 1 variant allele.

NM_203447.4(DOCK8):c.1433G>A (p.Arg478His)

Gene: DOCK8 (dedicator of cytokinesis 8; plus strand). Cytogenetic location: 9p24.3.
Variant type: single nucleotide variant.
Coding change: c.1433G>A on transcript NM_203447.4 (MANE Select); coding-DNA position 1433, G replaced by A.
Protein change: p.Arg478His; replaces arginine 478 with histidine.
Molecular consequence: missense variant.
Genome position (GRCh38, 1-based): chr9:339,016, G>A. VCF-style: chr9-339016-G-A. GRCh37 (hg19) VCF-style: chr9-339016-G-A.
Other names: c.1229G>A, p.Arg410His (NM_001190458.2, NM_001193536.2); c.1433G>A (NM_203447.3); short protein forms R478H, R410H.
Identifiers: ClinVar variation 1437906 (VCV001437906.30), dbSNP rs757667271, ClinGen allele CA4957738.